The following is an entry in ClinVar:

ClinVar aggregate classification (germline): Pathogenic (1 of 4 stars; one submission).

Conditions:
RPE65-related recessive retinopathy. Also called: Recessive RPE65 retinopathy. Identifiers: MedGen CN305526, MONDO:0100368.

Submission:

Myriad Genetics, Inc.
Classification: Pathogenic for RPE65-related recessive retinopathy. Last evaluated: 2024-05-14. Review status: criteria provided, single submitter. Criteria: Myriad Autosomal Dominant, Autosomal Recessive and X-Linked Classification Criteria (2023). Collection method: clinical testing. Allele origin: unknown.
Comment: NM_000329.2(RPE65):c.663_681del19ins6(S221Rfs*21) is expected to be pathogenic in the context of inherited retinal dystrophy, RPE65-related. This variant is predicted to lead to an abnormal or absent protein product due to the creation of a premature termination codon in RPE65, a gene where loss-of-function variants are known to be pathogenic. Please note: this variant was assessed in the context of healthy population screening.

NM_000329.3(RPE65):c.663_681delinsAGACAG (p.Ser221fs)

Gene: RPE65 (retinoid isomerohydrolase RPE65; minus strand). Cytogenetic location: 1p31.3.
Variant type: Indel.
Coding change: c.663_681delinsAGACAG on transcript NM_000329.3 (MANE Select); coding-DNA positions 663 to 681, CAAGTCAGAGATCGTTGTA replaced by AGACAG.
Protein change: p.Ser221fs; shifts the reading frame from serine 221.
Molecular consequence: frameshift variant.
Genome position (GRCh38, 1-based): chr1:68,439,605-68,439,623, TACAACGATCTCTGACTTG replaced by CTGTCT on the plus strand (CAAGTCAGAGATCGTTGTA replaced by AGACAG on the coding strand, the reverse complement: RPE65 is on the minus strand). VCF-style: chr1-68439605-TACAACGATCTCTGACTTG-CTGTCT. GRCh37 (hg19) VCF-style: chr1-68905288-TACAACGATCTCTGACTTG-CTGTCT.
Other names: c.555_573delinsAGACAG, p.Ser185fs (NM_001406853.1); c.387_405delinsAGACAG, p.Ser129fs (NM_001406856.1, NM_001406857.1); c.663_681delinsAGACAG, p.Ser221fs (NM_001406859.1); short protein forms S129fs, S185fs, S221fs.
Identifiers: ClinVar variation 5016434 (VCV005016434.1).